The following is an entry in ClinVar:

ClinVar aggregate classification (germline): Uncertain significance. Review status: criteria provided, multiple submitters, no conflicts (2 of 4 stars). 2 submissions from 2 submitters: Uncertain significance (2). Last evaluated 2024-10-01.

Conditions:
Inborn genetic diseases. Identifiers: MedGen C0950123, MeSH D030342.

gnomAD v4.1: 8 of 1,612,440 alleles (0.0005%); highest among the groups gnomAD compares: East Asian, 0.0022%; no homozygotes.

Submissions (2):

Ambry Genetics
Classification: Uncertain significance for Inborn genetic diseases. Last evaluated: 2024-10-01. Review status: criteria provided, single submitter. Criteria: Ambry Variant Classification Scheme 2023. Collection method: clinical testing. Allele origin: germline.

CeGaT Center for Human Genetics Tuebingen
Classification: Uncertain significance. Last evaluated: 2024-10-01. Review status: criteria provided, single submitter. Criteria: CeGaT Center For Human Genetics Tuebingen Variant Classification Criteria Version 2. Collection method: clinical testing. Allele origin: germline. Affected: yes. Observed: 1 variant allele.
Comment: NBEAL2: PM2, BP4

NM_015175.3(NBEAL2):c.712C>T (p.Arg238Cys)

Gene: NBEAL2 (neurobeachin like 2; plus strand). Cytogenetic location: 3p21.31.
Variant type: single nucleotide variant.
Coding change: c.712C>T on transcript NM_015175.3 (MANE Select); coding-DNA position 712, C replaced by T.
Protein change: p.Arg238Cys; replaces arginine 238 with cysteine.
Molecular consequence: missense variant.
Genome position (GRCh38, 1-based): chr3:46,991,475, C>T. VCF-style: chr3-46991475-C-T. GRCh37 (hg19) VCF-style: chr3-47032965-C-T.
Other names: c.691C>T, p.Arg231Cys (NM_001365116.2); c.712C>T (NM_015175.1); short protein forms R231C, R238C.
Identifiers: ClinVar variation 3389842 (VCV003389842.15).